The following is an entry in ClinVar:

NM_178554.6(KY):c.373C>T (p.Arg125Trp)

Genes: CEP63 (centrosomal protein 63; plus strand), KY (kyphoscoliosis peptidase; minus strand). Cytogenetic location: 3q22.2.
Variant type: single nucleotide variant.
Coding change: c.373C>T on transcript NM_178554.6 (MANE Select); coding-DNA position 373, C replaced by T.
Protein change: p.Arg125Trp; replaces arginine 125 with tryptophan.
Molecular consequence: missense variant.
Genome position (GRCh38, 1-based): chr3:134,627,783, G>A on the plus strand (C>T on the coding strand, the complement: KY is on the minus strand). VCF-style: chr3-134627783-G-A. GRCh37 (hg19) VCF-style: chr3-134346625-G-A.
Other names: c.325C>T, p.Arg109Trp (NM_001350859.2); c.247C>T, p.Arg83Trp (NM_001350860.2); c.310C>T, p.Arg104Trp (NM_001366276.1); c.373C>T, p.Arg125Trp (NM_001366277.2); short protein forms R104W, R109W, R125W, R83W.
Identifiers: ClinVar variation 1698336 (VCV001698336.3), dbSNP rs763339668, ClinGen allele CA2629300.

ClinVar aggregate classification (germline): Uncertain significance. Review status: criteria provided, multiple submitters, no conflicts (2 of 4 stars). 2 submissions from 2 submitters: Uncertain significance (2). Last evaluated 2024-07-03.

Conditions:
Myofibrillar myopathy 7. Identifiers: MedGen C4310711, MONDO:0014922, OMIM 617114.

Allele frequency attached by ClinVar (database versions not stated): ExAC 0.00001; TOPMed 0.00005; gnomAD exomes 0.00003; gnomAD 0.00005.
gnomAD v4.1: 30 of 1,613,712 alleles (0.0019%); highest among the groups gnomAD compares: Admixed American, 0.017%; no homozygotes.

Submissions (2):

Revvity Omics, Revvity
Classification: Uncertain significance for Myofibrillar myopathy 7. Last evaluated: 2024-07-03. Review status: criteria provided, single submitter. Criteria: ACMG Guidelines, 2015. Collection method: clinical testing. Allele origin: germline.

GeneDx
Classification: Uncertain significance. Last evaluated: 2022-01-25. Review status: criteria provided, single submitter. Criteria: GeneDx Variant Classification Process June 2021. Collection method: clinical testing. Allele origin: germline. Affected: yes.
Comment: Not observed at significant frequency in large population cohorts (gnomAD); In silico analysis supports that this missense variant has a deleterious effect on protein structure/function; Has not been previously published as pathogenic or benign to our knowledge